The following is an entry in ClinVar:

ClinVar aggregate classification (germline): Uncertain significance (1 of 4 stars; one submission).

gnomAD v4.1: 3 of 1,614,142 alleles (0.00019%); highest among the groups gnomAD compares: Non-Finnish European, 0.00017%; no homozygotes.

Submission:

GeneDx
Classification: Uncertain significance. Last evaluated: 2023-07-25. Review status: criteria provided, single submitter. Criteria: GeneDx Variant Classification Process June 2021. Collection method: clinical testing. Allele origin: germline. Affected: yes.
Comment: Not observed at significant frequency in large population cohorts (gnomAD); In silico analysis supports that this missense variant does not alter protein structure/function; Has not been previously published as pathogenic or benign to our knowledge

NM_014804.3(KIAA0753):c.502A>G (p.Ser168Gly)

Gene: KIAA0753 (KIAA0753; minus strand). Cytogenetic location: 17p13.1.
Variant type: single nucleotide variant.
Coding change: c.502A>G on transcript NM_014804.3 (MANE Select); coding-DNA position 502, A replaced by G.
Protein change: p.Ser168Gly; replaces serine 168 with glycine.
Molecular consequence: missense variant. On other transcripts: 5 prime UTR variant (1), non-coding transcript variant (3).
Genome position (GRCh38, 1-based): chr17:6,628,333, T>C on the plus strand (A>G on the coding strand, the complement: KIAA0753 is on the minus strand). VCF-style: chr17-6628333-T-C. GRCh37 (hg19) VCF-style: chr17-6531653-T-C.
Other names: c.-733A>G (NM_001351225.2); short protein forms S168G.
Identifiers: ClinVar variation 3361284 (VCV003361284.1).
Genomic context (GRCh38, chr17:6,628,333, plus strand): 5'-GCACAGTAAGATCTGACTGGCCTGGATGAGATGAGTAAAGGTATACTTTGGCACCAGAGC[T>C]GGAGATTTCTACTTTGGATGGCTGGTGGCTACACTGACAGGCTGCTTGACTCTTTGATTC-3'
Protein context (NP_055619.2, residues 158-178): SHQPSKVEIS[Ser168Gly]SGAKVYLYSS